The following is an entry in ClinVar:

ClinVar aggregate classification (germline): Uncertain significance (1 of 4 stars; one submission).

Allele frequency attached by ClinVar (database versions not stated): TOPMed 0.00001.

Submission:

GeneDx
Classification: Uncertain significance. Last evaluated: 2022-03-31. Review status: criteria provided, single submitter. Criteria: GeneDx Variant Classification Process June 2021. Collection method: clinical testing. Allele origin: germline. Affected: yes.
Comment: Not observed at significant frequency in large population cohorts (gnomAD); In silico analysis supports that this missense variant has a deleterious effect on protein structure/function; Has not been previously published as pathogenic or benign to our knowledge

NM_153252.5(BRWD3):c.1799A>T (p.Lys600Ile)

Gene: BRWD3 (bromodomain and WD repeat domain containing 3; minus strand). Cytogenetic location: Xq21.1.
Variant type: single nucleotide variant.
Coding change: c.1799A>T on transcript NM_153252.5 (MANE Select); coding-DNA position 1799, A replaced by T.
Protein change: p.Lys600Ile; replaces lysine 600 with isoleucine.
Molecular consequence: missense variant.
Genome position (GRCh38, 1-based): chrX:80,722,639, T>A on the plus strand (A>T on the coding strand, the complement: BRWD3 is on the minus strand). VCF-style: chrX-80722639-T-A. GRCh37 (hg19) VCF-style: chrX-79978138-T-A.
Other names: short protein forms K600I.
Identifiers: ClinVar variation 1707749 (VCV001707749.2), dbSNP rs2073166865, ClinGen allele CA413634328.